The following is an entry in ClinVar:

NM_003193.5(TBCE):c.825C>G (p.His275Gln)

Gene: TBCE (tubulin folding cofactor E; plus strand). Cytogenetic location: 1q42.3.
Variant type: single nucleotide variant.
Coding change: c.825C>G on transcript NM_003193.5 (MANE Select); coding-DNA position 825, C replaced by G.
Protein change: p.His275Gln; replaces histidine 275 with glutamine.
Molecular consequence: missense variant.
Genome position (GRCh38, 1-based): chr1:235,435,832, C>G. VCF-style: chr1-235435832-C-G. GRCh37 (hg19) VCF-style: chr1-235599147-C-G.
Other names: c.825C>G, p.His275Gln (NM_001079515.3); c.978C>G, p.His326Gln (NM_001287801.2); c.486C>G, p.His162Gln (NM_001287802.2); short protein forms H162Q, H326Q, H275Q.
Identifiers: ClinVar variation 1912967 (VCV001912967.5), dbSNP rs185801847, ClinGen allele CA1464216.

ClinVar aggregate classification (germline): Uncertain significance (1 of 4 stars; one submission).

Allele frequency attached by ClinVar (database versions not stated): gnomAD 0.00002; 1000 Genomes Project 30x 0.00016; 1000 Genomes Project 0.00020.
gnomAD v4.1: 15 of 1,614,044 alleles (0.00093%); highest among the groups gnomAD compares: African/African-American, 0.008%; no homozygotes.

Submission:

Labcorp Genetics (formerly Invitae), Labcorp
Classification: Uncertain significance. Last evaluated: 2025-08-03. Review status: criteria provided, single submitter. Criteria: Invitae Variant Classification Sherloc (09022015). Collection method: clinical testing. Allele origin: germline.
Comment: This sequence change replaces histidine, which is basic and polar, with glutamine, which is neutral and polar, at codon 275 of the TBCE protein (p.His275Gln). This variant is present in population databases (rs185801847, gnomAD 0.01%). This variant has not been reported in the literature in individuals affected with TBCE-related conditions. ClinVar contains an entry for this variant (Variation ID: 1912967). Invitae Evidence Modeling of protein sequence and biophysical properties (such as structural, functional, and spatial information, amino acid conservation, physicochemical variation, residue mobility, and thermodynamic stability) indicates that this missense variant is not expected to disrupt TBCE protein function with a negative predictive value of 80%. In summary, the available evidence is currently insufficient to determine the role of this variant in disease. Therefore, it has been classified as a Variant of Uncertain Significance.